The following is an entry in ClinVar:

ClinVar aggregate classification (germline): Uncertain significance (1 of 4 stars; one submission).

Conditions:
Cowden syndrome (CS). Also called: Cowden's disease; Cowden's syndrome; Cowden disease. Identifiers: Orphanet 201, MedGen C0018553, MONDO:0016063. Disease mechanism: gain of function.

Submission:

Labcorp Genetics (formerly Invitae), Labcorp
Classification: Uncertain significance for Cowden syndrome. Last evaluated: 2020-01-09. Review status: criteria provided, single submitter. Criteria: Invitae Variant Classification Sherloc (09022015). Collection method: clinical testing. Allele origin: germline.
Comment: In summary, the available evidence is currently insufficient to determine the role of this variant in disease. Therefore, it has been classified as a Variant of Uncertain Significance. This variant has not been reported in the literature in individuals with PIK3CA-related disease. This variant results in a copy number gain of the genomic region encompassing exons 15-21 of the PIK3CA gene. The 5' boundary is likely confined to intron 14. The 3' end of this event is unknown as it extends beyond the assayed region for this gene and therefore may encompass additional genes. As the precise location of this event is unknown, it may be in tandem or it may be located elsewhere in the genome.

NC_000003.11:g.(?_178941859)_(178952162_?)dup

Gene: PIK3CA (phosphatidylinositol-4,5-bisphosphate 3-kinase catalytic subunit alpha; plus strand). Cytogenetic location: 3q26.32.
Variant type: Duplication.
Identifiers: ClinVar variation 640449 (VCV000640449.7).